The following is an entry in ClinVar:

NM_004006.3(DMD):c.7872+3T>A

Gene: DMD (dystrophin; minus strand). Cytogenetic location: Xp21.1.
Variant type: single nucleotide variant.
Coding change: c.7872+3T>A on transcript NM_004006.3 (MANE Select); 3 bases into the intron after coding-DNA position 7872, T replaced by A.
Molecular consequence: intron variant.
Genome position (GRCh38, 1-based): chrX:31,679,372, A>T on the plus strand (T>A on the coding strand, the complement: DMD is on the minus strand). VCF-style: chrX-31679372-A-T. GRCh37 (hg19) VCF-style: chrX-31697489-A-T.
Other names: c.7848+3T>A (NM_000109.4); c.3849+3T>A (NM_004011.4); c.3840+3T>A (NM_004012.4); c.492+3T>A (NM_004023.3, NM_004020.4, NM_004022.3 and 2 more transcripts); c.7860+3T>A (NM_004009.3); c.7503+3T>A (NM_004010.3).
Identifiers: ClinVar variation 864204 (VCV000864204.10), dbSNP rs755923778, ClinGen allele CA916081252.
Genomic context (GRCh38, chrX:31,679,372, plus strand): 5'-TATGGTATAATTTTATCAAATGTAACCAGTATTTTATTTTAAAAAGGTATCTTTGATACT[A>T]ACCTTGGTTTCTGTGATTTTCTTTTGGATTGCATCTACTGTATAGGGACCCTCCTTCCAT-3'

ClinVar aggregate classification (germline): Uncertain significance (1 of 4 stars; one submission).

Conditions:
Duchenne muscular dystrophy (DMD). Also called: Duchenne Muscular Dystrophy (DMD); MUSCULAR DYSTROPHY, PSEUDOHYPERTROPHIC PROGRESSIVE, DUCHENNE TYPE. Identifiers: Orphanet 98896, MedGen C0013264, MONDO:0010679, OMIM 310200.

Submission:

Labcorp Genetics (formerly Invitae), Labcorp
Classification: Uncertain significance for Duchenne muscular dystrophy. Last evaluated: 2019-12-08. Review status: criteria provided, single submitter. Criteria: Invitae Variant Classification Sherloc (09022015). Collection method: clinical testing. Allele origin: germline.
Comment: In summary, the available evidence is currently insufficient to determine the role of this variant in disease. Therefore, it has been classified as a Variant of Uncertain Significance. Nucleotide substitutions within the consensus splice site are a relatively common cause of aberrant splicing (PMID: 17576681, 9536098). Algorithms developed to predict the effect of sequence changes on RNA splicing suggest that this variant is not likely to affect RNA splicing, but this prediction has not been confirmed by published transcriptional studies. This variant has not been reported in the literature in individuals with DMD-related conditions. This variant is not present in population databases (ExAC no frequency). This sequence change falls in intron 53 of the DMD gene. It does not directly change the encoded amino acid sequence of the DMD protein, but it affects a nucleotide within the consensus splice site of the intron.

Literature cited by the submitters: PubMed 17576681; PubMed 9536098.